The following is an entry in ClinVar:

NM_000136.3(FANCC):c.432T>G (p.Asp144Glu)

Gene: FANCC (FA complementation group C; minus strand). Cytogenetic location: 9q22.32.
Variant type: single nucleotide variant.
Coding change: c.432T>G on transcript NM_000136.3 (MANE Select); coding-DNA position 432, T replaced by G.
Protein change: p.Asp144Glu; replaces aspartic acid 144 with glutamic acid.
Molecular consequence: missense variant.
Genome position (GRCh38, 1-based): chr9:95,172,061, A>C on the plus strand (T>G on the coding strand, the complement: FANCC is on the minus strand). VCF-style: chr9-95172061-A-C. GRCh37 (hg19) VCF-style: chr9-97934343-A-C.
Other names: c.432T>G, p.Asp144Glu (NM_001243743.2, NM_001243744.2); short protein forms D144E.
Identifiers: ClinVar variation 853866 (VCV000853866.9), dbSNP rs1825715851, ClinGen allele CA374338744.
Genomic context (GRCh38, chr9:95,172,061, plus strand): 5'-TAAACATTTCAAAAGTGATAAATTTTAAATACTCACATTTTTAAGCAAACCAGGATAGTA[A>C]TCTATAGGTGCATACCCAAGACCTTGAGTGAAAAGAGCAACTTCTTTATCAAATCTGAGT-3'
Protein context (NP_000127.2, residues 134-154): FTQGLGYAPI[Asp144Glu]YYPGLLKNMV

ClinVar aggregate classification (germline): Uncertain significance (1 of 4 stars; one submission).

Conditions:
Fanconi anemia (FA). Also called: Fanconi's anemia. Identifiers: Orphanet 84, MedGen C0015625, MeSH D005199, MONDO:0019391.

Submission:

Labcorp Genetics (formerly Invitae), Labcorp
Classification: Uncertain significance for Fanconi anemia. Last evaluated: 2019-04-03. Review status: criteria provided, single submitter. Criteria: Invitae Variant Classification Sherloc (09022015). Collection method: clinical testing. Allele origin: germline.
Comment: In summary, the available evidence is currently insufficient to determine the role of this variant in disease. Therefore, it has been classified as a Variant of Uncertain Significance. Algorithms developed to predict the effect of missense changes on protein structure and function are either unavailable or do not agree on the potential impact of this missense change (SIFT: "Tolerated"; PolyPhen-2: "Probably Damaging"; Align-GVGD: "Class C0"). This variant has not been reported in the literature in individuals with FANCC-related conditions. This variant is not present in population databases (ExAC no frequency). This sequence change replaces aspartic acid with glutamic acid at codon 144 of the FANCC protein (p.Asp144Glu). The aspartic acid residue is highly conserved and there is a small physicochemical difference between aspartic acid and glutamic acid.